The following is an entry in ClinVar:

ClinVar aggregate classification (germline): Uncertain significance (1 of 4 stars; one submission).

Allele frequency attached by ClinVar (database versions not stated): gnomAD exomes below 0.00001.
gnomAD v4.1: 1 of 1,613,864 alleles (0.000062%); highest among the groups gnomAD compares: Admixed American, 0.0017%; no homozygotes.

Submission:

GeneDx
Classification: Uncertain significance. Last evaluated: 2022-11-23. Review status: criteria provided, single submitter. Criteria: GeneDx Variant Classification Process June 2021. Collection method: clinical testing. Allele origin: germline. Affected: yes.
Comment: Not observed at significant frequency in large population cohorts (gnomAD); In silico analysis supports that this missense variant does not alter protein structure/function; Has not been previously published as pathogenic or benign to our knowledge

NM_173500.4(TTBK2):c.3583T>C (p.Ser1195Pro)

Gene: TTBK2 (tau tubulin kinase 2; minus strand). Cytogenetic location: 15q15.2.
Variant type: single nucleotide variant.
Coding change: c.3583T>C on transcript NM_173500.4 (MANE Select); coding-DNA position 3583, T replaced by C.
Protein change: p.Ser1195Pro; replaces serine 1195 with proline.
Molecular consequence: missense variant.
Genome position (GRCh38, 1-based): chr15:42,745,947, A>G on the plus strand (T>C on the coding strand, the complement: TTBK2 is on the minus strand). VCF-style: chr15-42745947-A-G. GRCh37 (hg19) VCF-style: chr15-43038145-A-G.
Other names: short protein forms S1195P.
Identifiers: ClinVar variation 2503312 (VCV002503312.1), dbSNP rs2506164593, ClinGen allele CA392065191.
Genomic context (GRCh38, chr15:42,745,947, plus strand): 5'-CATTCTTGCTGGGTTTGCAATGCTCCTGTTGGCAGGACCTCCTGGAGGAGGAAGATCCTG[A>G]GTGGCTGGGAGGTGACTTGCTTCTCCCCAGATGTGGGGACGAACTCCTCTGGTCATGGTG-3'
Protein context (NP_775771.3, residues 1185-1205): LGRSKSPPSH[Ser1195Pro]GSSSSRRSCQ